The following is an entry in ClinVar:

NM_004655.4(AXIN2):c.2288A>T (p.Glu763Val)

Gene: AXIN2 (axin 2; minus strand). Cytogenetic location: 17q24.1.
Variant type: single nucleotide variant.
Coding change: c.2288A>T on transcript NM_004655.4 (MANE Select); coding-DNA position 2288, A replaced by T.
Protein change: p.Glu763Val; replaces glutamic acid 763 with valine.
Molecular consequence: missense variant.
Genome position (GRCh38, 1-based): chr17:65,534,029, T>A on the plus strand (A>T on the coding strand, the complement: AXIN2 is on the minus strand). VCF-style: chr17-65534029-T-A. GRCh37 (hg19) VCF-style: chr17-63530147-T-A.
Other names: c.2093A>T, p.Glu698Val (NM_001363813.1); short protein forms E698V, E763V.
Identifiers: ClinVar variation 1789040 (VCV001789040.2), dbSNP rs1567752141, ClinGen allele CA400675581.

ClinVar aggregate classification (germline): Uncertain significance (1 of 4 stars; one submission).

Conditions:
Hereditary cancer-predisposing syndrome. Also called: Hereditary Cancer Syndrome; Hereditary neoplastic syndrome; Tumor predisposition; Neoplastic Syndromes, Hereditary. Identifiers: Orphanet 140162, MedGen C0027672, MeSH D009386, MONDO:0015356.

gnomAD v4.1: 1 of 1,614,244 alleles (0.000062%); no homozygotes.

Submission:

Ambry Genetics
Classification: Uncertain significance for Hereditary cancer-predisposing syndrome. Last evaluated: 2022-03-30. Review status: criteria provided, single submitter. Criteria: Ambry Variant Classification Scheme 2023. Collection method: clinical testing. Allele origin: germline.
Comment: The p.E763V variant (also known as c.2288A>T), located in coding exon 9 of the AXIN2 gene, results from an A to T substitution at nucleotide position 2288. The glutamic acid at codon 763 is replaced by valine, an amino acid with dissimilar properties. This amino acid position is conserved. In addition, the in silico prediction for this alteration is inconclusive. Since supporting evidence is limited at this time, the clinical significance of this alteration remains unclear.